The following is an entry in ClinVar:

NM_001042492.3(NF1):c.5261C>A (p.Ser1754Tyr)

Gene: NF1 (neurofibromin 1; plus strand). Cytogenetic location: 17q11.2.
Variant type: single nucleotide variant.
Coding change: c.5261C>A on transcript NM_001042492.3 (MANE Select); coding-DNA position 5261, C replaced by A.
Protein change: p.Ser1754Tyr; replaces serine 1754 with tyrosine.
Molecular consequence: missense variant.
Genome position (GRCh38, 1-based): chr17:31,326,245, C>A. VCF-style: chr17-31326245-C-A. GRCh37 (hg19) VCF-style: chr17-29653263-C-A.
Other names: c.5198C>A, p.Ser1733Tyr (NM_000267.4); short protein forms S1733Y, S1754Y.
Identifiers: ClinVar variation 2452272 (VCV002452272.2), dbSNP rs2151539098, ClinGen allele CA399008398.

ClinVar aggregate classification (germline): Uncertain significance (1 of 4 stars; one submission).

Conditions:
Hereditary cancer-predisposing syndrome. Also called: Neoplastic Syndromes, Hereditary; Tumor predisposition; Hereditary neoplastic syndrome; Hereditary Cancer Syndrome. Identifiers: Orphanet 140162, MedGen C0027672, MeSH D009386, MONDO:0015356.
Cardiovascular phenotype. Identifiers: MedGen CN230736.

Submission:

Ambry Genetics
Classification: Uncertain significance for Cardiovascular phenotype; Hereditary cancer-predisposing syndrome. Last evaluated: 2023-01-12. Review status: criteria provided, single submitter. Criteria: Ambry Variant Classification Scheme 2023. Collection method: clinical testing. Allele origin: germline.
Comment: The p.S1733Y variant (also known as c.5198C>A), located in coding exon 36 of the NF1 gene, results from a C to A substitution at nucleotide position 5198. The serine at codon 1733 is replaced by tyrosine, an amino acid with dissimilar properties. This amino acid position is conserved. In addition, this alteration is predicted to be tolerated by in silico analysis. Since supporting evidence is limited at this time, the clinical significance of this alteration remains unclear.